The following is an entry in ClinVar:

NM_000090.4(COL3A1):c.1421G>T (p.Gly474Val)

Gene: COL3A1 (collagen type III alpha 1 chain; plus strand). Cytogenetic location: 2q32.2.
Variant type: single nucleotide variant.
Coding change: c.1421G>T on transcript NM_000090.4 (MANE Select); coding-DNA position 1421, G replaced by T.
Protein change: p.Gly474Val; replaces glycine 474 with valine.
Molecular consequence: missense variant.
Genome position (GRCh38, 1-based): chr2:188,994,797, G>T. VCF-style: chr2-188994797-G-T. GRCh37 (hg19) VCF-style: chr2-189859523-G-T.
Other names: short protein forms G474V.
Identifiers: ClinVar variation 519609 (VCV000519609.5), dbSNP rs1553507991, ClinGen allele CA349851888.

ClinVar aggregate classification (germline): Likely pathogenic (1 of 4 stars; one submission).

Conditions:
Familial thoracic aortic aneurysm and aortic dissection (TAAD). Also called: Thoracic aortic aneurysms and dissections. Identifiers: Orphanet 91387, MedGen C4707243, MONDO:0019625.

Submission:

Ambry Genetics
Classification: Likely pathogenic for Familial thoracic aortic aneurysm and aortic dissection. Last evaluated: 2016-12-28. Review status: criteria provided, single submitter. Criteria: Ambry Variant Classification Scheme 2023. Collection method: clinical testing. Allele origin: germline.
Comment: The p.G474V variant (also known as c.1421G>T), located in coding exon 20 of the COL3A1 gene, results from a G to T substitution at nucleotide position 1421. The glycine at codon 474 is replaced by valine, an amino acid with dissimilar properties. This alteration occurs within the triple helical domain of the COL3A1 protein. The majority (approximately two-thirds) of COL3A1 mutations identified to date have involved similar substitutions of another amino acid for glycine within that domain (Schwarze U et al. Am J Hum Genet. 1997;61(6):1276-1286; Pepin MG et al. Genet Med. 2014;16(12):881-8). Internal structural analysis indicates that this variant disrupts the characteristic motif of collagen and inserts a bulky sidechain into a sterically constrained region (Hohenester E et al. Proc. Natl. Acad. Sci. U.S.A. 2008;105:18273-7; Bella J et al. Science. 1994;266:75-81). This amino acid position is highly conserved in available vertebrate species. In addition, this alteration is predicted to be deleterious by in silico analysis. Based on the majority of available evidence to date, this variant is likely to be pathogenic.

Literature cited by the submitters: PubMed 19011090; PubMed 7695699.